The following is an entry in ClinVar:

ClinVar aggregate classification (germline): Uncertain significance. Review status: criteria provided, multiple submitters, no conflicts (2 of 4 stars). 2 submissions from 2 submitters: Uncertain significance (2). Last evaluated 2026-05-05.

Conditions:
Inborn genetic diseases. Identifiers: MedGen C0950123, MeSH D030342.
Insulin-dependent diabetes mellitus secretory diarrhea syndrome (IPEX). Also called: IMMUNODEFICIENCY, POLYENDOCRINOPATHY, AND ENTEROPATHY, X-LINKED; DIABETES MELLITUS, CONGENITAL INSULIN-DEPENDENT, WITH FATAL SECRETORY DIARRHEA; DIARRHEA, POLYENDOCRINOPATHY, FATAL INFECTION SYNDROME, X-LINKED; ENTEROPATHY, AUTOIMMUNE, WITH HEMOLYTIC ANEMIA AND POLYENDOCRINOPATHY; X-Linked Autoimmunity-Allergic Dysregulation Syndrome; Immune dysregulation-polyendocrinopathy-enteropathy-X-linked syndrome. Identifiers: Orphanet 37042, MedGen C0342288, MONDO:0010580, OMIM 304790. Disease mechanism: loss of function.

gnomAD v4.1: 2 of 1,204,119 alleles (0.00017%); highest among the groups gnomAD compares: South Asian, 0.0018%; no homozygotes.

Submissions (2):

Ambry Genetics
Classification: Uncertain significance for Inborn genetic diseases. Last evaluated: 2026-05-05. Review status: criteria provided, single submitter. Criteria: Ambry Variant Classification Scheme 2023. Collection method: clinical testing. Allele origin: germline.
Comment: The c.799A>T (p.T267S) alteration is located in exon 8 (coding exon 7) of the FOXP3 gene. This alteration results from a A to T substitution at nucleotide position 799, causing the threonine (T) at amino acid position 267 to be replaced by a serine (S). Based on data from gnomAD, the T allele has an overall frequency of 0.001% (1/163762) total alleles studied. The highest observed frequency was 0.006% (1/16562) of South Asian alleles. Based on insufficient or conflicting evidence, the clinical significance of this alteration remains unclear.

Labcorp Genetics (formerly Invitae), Labcorp
Classification: Uncertain significance for Insulin-dependent diabetes mellitus secretory diarrhea syndrome. Last evaluated: 2024-06-20. Review status: criteria provided, single submitter. Criteria: Invitae Variant Classification Sherloc (09022015). Collection method: clinical testing. Allele origin: germline.
Comment: This sequence change replaces threonine, which is neutral and polar, with serine, which is neutral and polar, at codon 267 of the FOXP3 protein (p.Thr267Ser). The frequency data for this variant in the population databases is considered unreliable, as metrics indicate poor data quality at this position in the gnomAD database. This variant has not been reported in the literature in individuals affected with FOXP3-related conditions. Advanced modeling of protein sequence and biophysical properties (such as structural, functional, and spatial information, amino acid conservation, physicochemical variation, residue mobility, and thermodynamic stability) performed at Invitae indicates that this missense variant is not expected to disrupt FOXP3 protein function with a negative predictive value of 80%. In summary, the available evidence is currently insufficient to determine the role of this variant in disease. Therefore, it has been classified as a Variant of Uncertain Significance.

NM_014009.4(FOXP3):c.799A>T (p.Thr267Ser)

Gene: FOXP3 (forkhead box P3; minus strand). Cytogenetic location: Xp11.23.
Variant type: single nucleotide variant.
Coding change: c.799A>T on transcript NM_014009.4 (MANE Select); coding-DNA position 799, A replaced by T.
Protein change: p.Thr267Ser; replaces threonine 267 with serine.
Molecular consequence: missense variant.
Genome position (GRCh38, 1-based): chrX:49,255,446, T>A on the plus strand (A>T on the coding strand, the complement: FOXP3 is on the minus strand). VCF-style: chrX-49255446-T-A. GRCh37 (hg19) VCF-style: chrX-49111907-T-A.
Other names: c.694A>T, p.Thr232Ser (NM_001114377.2); short protein forms T232S, T267S.
Identifiers: ClinVar variation 3618802 (VCV003618802.3).